The following is an entry in ClinVar:

ClinVar aggregate classification (germline): Benign/Likely benign. Review status: criteria provided, multiple submitters, no conflicts (2 of 4 stars). 28 submissions from 21 submitters: Benign (16); Likely benign (5). 7 of the submissions do not count toward it. Last evaluated 2026-09-01.

Conditions:
Cardiovascular phenotype. Identifiers: MedGen CN230736.
Dilated cardiomyopathy 1G (CMD1G). Identifiers: Orphanet 154, MedGen C1858763, MONDO:0011400, OMIM 604145.
Autosomal recessive limb-girdle muscular dystrophy type 2J (LGMDR10). Also called: MUSCULAR DYSTROPHY, LIMB-GIRDLE, AUTOSOMAL RECESSIVE 10; Limb-girdle muscular dystrophy, type 2J. Identifiers: Orphanet 140922, MedGen C1837342, MONDO:0012127, OMIM 608807.
Cardiomyopathy (CMYO). Also called: Cardiomyopathies. Identifiers: Orphanet 167848, MedGen C0878544, MONDO:0004994, HP:0001638. Inheritance: Various modes of inheritance.
Early-onset myopathy with fatal cardiomyopathy (CMYO5). Also called: CONGENITAL MYOPATHY 5 WITH CARDIOMYOPATHY; Salih Myopathy. Identifiers: Orphanet 289377, MedGen C2673677, MONDO:0012714, OMIM 611705. Disease mechanism: loss of function.
Myopathy, myofibrillar, 9, with early respiratory failure (MFM9). Also called: Myopathy, distal, with early respiratory failure, autosomal dominant; Hereditary myopathy with early respiratory failure; MYOPATHY, PROXIMAL, WITH EARLY RESPIRATORY MUSCLE INVOLVEMENT; EDSTROM MYOPATHY. Identifiers: Orphanet 178464, Orphanet 34521, MedGen C1863599, MONDO:0011362, OMIM 603689.
Tibial muscular dystrophy (TMD). Also called: Udd Distal Myopathy – Tibial Muscular Dystrophy; Tibial muscular dystrophy, tardive; UDD MYOPATHY. Identifiers: Orphanet 609, MedGen C1838244, MONDO:0010870, OMIM 600334.

Allele frequency attached by ClinVar (database versions not stated): gnomAD exomes 0.00438 and 0.00827; 1000 Genomes Project 30x 0.01234; 1000 Genomes Project 0.01298; ESP Exome Variant Server 0.00191; TOPMed 0.00285; ExAC 0.00883; gnomAD 0.00347 and 0.00216.
gnomAD v4.1: 7,062 of 1,613,262 alleles (0.44%); highest among the groups gnomAD compares: South Asian, 3.5%; 109 homozygotes.

Submissions (28):

CeGaT Center for Human Genetics Tuebingen
Classification: Benign. Last evaluated: 2026-09-01. Review status: criteria provided, single submitter. Criteria: CeGaT Center For Human Genetics Tuebingen Variant Classification Criteria Version 2. Collection method: clinical testing. Allele origin: germline. Affected: yes. Observed: 82 variant alleles.
Comment: TTN: BS1, BS2

Labcorp Genetics (formerly Invitae), Labcorp
Classification: Benign for Dilated cardiomyopathy 1G; Autosomal recessive limb-girdle muscular dystrophy type 2J. Last evaluated: 2026-02-03. Review status: criteria provided, single submitter. Criteria: Invitae Variant Classification Sherloc (09022015). Collection method: clinical testing. Allele origin: germline.

Athena Diagnostics
Classification: Benign. Last evaluated: 2025-06-20. Review status: criteria provided, single submitter. Criteria: Athena Diagnostics Criteria. Collection method: clinical testing. Allele origin: unknown.
Comment: The frequency of this variant in the general population is higher than would generally be expected for pathogenic variants in this gene.

Molecular Diagnostic Laboratory for Inherited Cardiovascular Disease, Montreal Heart Institute
Classification: Likely benign. Last evaluated: 2025-04-09. Review status: criteria provided, single submitter. Criteria: ACMG Guidelines, 2015. Collection method: clinical testing. Allele origin: germline. Affected: no.

Genome-Nilou Lab
Classification: Benign for Autosomal recessive limb-girdle muscular dystrophy type 2J. Last evaluated: 2021-09-10. Review status: criteria provided, single submitter. Criteria: ACMG Guidelines, 2015. Collection method: clinical testing. Allele origin: germline. Affected: no.

Genome-Nilou Lab
Classification: Benign for Myopathy, myofibrillar, 9, with early respiratory failure. Last evaluated: 2021-09-10. Review status: criteria provided, single submitter. Criteria: ACMG Guidelines, 2015. Collection method: clinical testing. Allele origin: germline. Affected: no.

Genome-Nilou Lab
Classification: Benign for Early-onset myopathy with fatal cardiomyopathy. Last evaluated: 2021-09-10. Review status: criteria provided, single submitter. Criteria: ACMG Guidelines, 2015. Collection method: clinical testing. Allele origin: germline. Affected: no.

Genome-Nilou Lab
Classification: Benign for Tibial muscular dystrophy. Last evaluated: 2021-09-10. Review status: criteria provided, single submitter. Criteria: ACMG Guidelines, 2015. Collection method: clinical testing. Allele origin: germline. Affected: no.

Women's Health and Genetics/Laboratory Corporation of America, LabCorp
Classification: Likely benign. Last evaluated: 2020-11-09. Review status: criteria provided, single submitter. Criteria: LabCorp Variant Classification Summary - May 2015. Collection method: clinical testing. Allele origin: germline.

Illumina Laboratory Services, Illumina
Classification: Benign for Early-onset myopathy with fatal cardiomyopathy. Last evaluated: 2018-01-13. Review status: criteria provided, single submitter. Criteria: ICSL Variant Classification Criteria 13 December 2019. Collection method: clinical testing. Allele origin: germline.
Comment: This variant was observed in the ICSL laboratory as part of a predisposition screen in an ostensibly healthy population. It had not been previously curated by ICSL or reported in the Human Gene Mutation Database (HGMD: prior to June 1st, 2018), and was therefore a candidate for classification through an automated scoring system. Utilizing variant allele frequency, disease prevalence and penetrance estimates, and inheritance mode, an automated score was calculated to assess if this variant is too frequent to cause the disease. Based on the score and internal cut-off values, a variant classified as benign is not then subjected to further curation. The score for this variant resulted in a classification of benign for this disease.

Illumina Laboratory Services, Illumina
Classification: Benign for Tibial muscular dystrophy. Last evaluated: 2018-01-13. Review status: criteria provided, single submitter. Criteria: ICSL Variant Classification Criteria 13 December 2019. Collection method: clinical testing. Allele origin: germline.
Comment: the same text as in the submission from Illumina Laboratory Services, Illumina above.

Illumina Laboratory Services, Illumina
Classification: Benign for Myopathy, myofibrillar, 9, with early respiratory failure. Last evaluated: 2018-01-13. Review status: criteria provided, single submitter. Criteria: ICSL Variant Classification Criteria 13 December 2019. Collection method: clinical testing. Allele origin: germline.
Comment: the same text as in the submission from Illumina Laboratory Services, Illumina above.

Illumina Laboratory Services, Illumina
Classification: Likely benign for Dilated cardiomyopathy 1G. Last evaluated: 2018-01-13. Review status: criteria provided, single submitter. Criteria: ICSL Variant Classification Criteria 13 December 2019. Collection method: clinical testing. Allele origin: germline.
Comment: This variant was observed in the ICSL laboratory as part of a predisposition screen in an ostensibly healthy population. It had not been previously curated by ICSL or reported in the Human Gene Mutation Database (HGMD: prior to June 1st, 2018), and was therefore a candidate for classification through an automated scoring system. Utilizing variant allele frequency, disease prevalence and penetrance estimates, and inheritance mode, an automated score was calculated to assess if this variant is too frequent to cause the disease. Based on the score and internal cut-off values, a variant classified as likely benign is not then subjected to further curation. The score for this variant resulted in a classification of likely benign for this disease.

Illumina Laboratory Services, Illumina
Classification: Likely benign for Autosomal recessive limb-girdle muscular dystrophy type 2J. Last evaluated: 2018-01-13. Review status: criteria provided, single submitter. Criteria: ICSL Variant Classification Criteria 13 December 2019. Collection method: clinical testing. Allele origin: germline.
Comment: the same text as in the submission from Illumina Laboratory Services, Illumina above.

CHEO Genetics Diagnostic Laboratory, Children's Hospital of Eastern Ontario
Classification: Benign for Cardiomyopathy. Last evaluated: 2017-11-03. Review status: criteria provided, single submitter. Criteria: ACMG Guidelines, 2015. Collection method: clinical testing. Allele origin: germline.

Eurofins Ntd Llc (ga)
Classification: Benign. Last evaluated: 2015-06-10. Review status: criteria provided, single submitter. Criteria: EGL Classification Definitions 2015. Collection method: clinical testing. Allele origin: germline. Observed: 1 variant allele, 1 heterozygote.

Biesecker Lab/Clinical Genomics Section, National Institutes of Health
Classification: Benign. Last evaluated: 2013-06-24. Review status: criteria provided, single submitter. Criteria: Ng et al. (Circ Cardiovasc Genet. 2013). Collection method: research. Allele origin: unknown. Observed: 7 variant alleles. Study: ClinSeq.
Comment: The study set was not selected for affection status in relation to any cancer. Pathogenicity categories were based on literature curation. See Pubmed ID:23861362 for details.

Medical sequencing

Ambry Genetics
Classification: Benign for Cardiovascular phenotype. Last evaluated: 2013-02-06. Review status: criteria provided, single submitter. Criteria: Ambry Autosomal Dominant and X-Linked criteria (10/2015). Collection method: clinical testing. Allele origin: germline. Observed: 1 variant allele.

GeneDx
Classification: Benign. Last evaluated: 2013-01-17. Review status: criteria provided, single submitter. Criteria: GeneDx Variant Classification (06012015). Collection method: clinical testing. Allele origin: germline. Affected: yes.
Comment: This variant is considered likely benign or benign based on one or more of the following criteria: it is a conservative change, it occurs at a poorly conserved position in the protein, it is predicted to be benign by multiple in silico algorithms, and/or has population frequency not consistent with disease.

Laboratory for Molecular Medicine, Mass General Brigham Personalized Medicine
Classification: Benign. Last evaluated: 2012-01-12. Review status: criteria provided, single submitter. Criteria: LMM Criteria. Collection method: clinical testing. Allele origin: germline. Observed: 16 variant alleles.

Breakthrough Genomics
Classification: Likely benign. Review status: criteria provided, single submitter. Criteria: ACMG Guidelines, 2015. Collection method: not provided. Allele origin: germline. Inheritance: Autosomal recessive inheritance. Affected: yes.

Clinical Genetics DNA and cytogenetics Diagnostics Lab, Erasmus MC, Erasmus Medical Center
Classification: Benign. Review status: no assertion criteria provided. Collection method: clinical testing. Allele origin: germline. Affected: yes. Study: VKGL Data-share Consensus. Not counted in ClinVar's aggregate classification.

Clinical Genetics, Academic Medical Center
Classification: Benign. Review status: no assertion criteria provided. Collection method: clinical testing. Allele origin: germline. Affected: yes. Study: VKGL Data-share Consensus. Not counted in ClinVar's aggregate classification.

Diagnostic Laboratory, Department of Genetics, University Medical Center Groningen
Classification: Likely benign. Review status: no assertion criteria provided. Collection method: clinical testing. Allele origin: germline. Affected: yes. Study: VKGL Data-share Consensus. Not counted in ClinVar's aggregate classification.

Genetic Services Laboratory, University of Chicago
Classification: Likely benign for AllHighlyPenetrant. Review status: no assertion criteria provided. Collection method: clinical testing. Allele origin: germline. Not counted in ClinVar's aggregate classification.
Comment: Likely benign based on allele frequency in 1000 Genomes Project or ESP global frequency and its presence in a patient with a rare or unrelated disease phenotype. NOT Sanger confirmed.

Genome Diagnostics Laboratory, University Medical Center Utrecht
Classification: Likely benign. Review status: no assertion criteria provided. Collection method: clinical testing. Allele origin: germline. Affected: yes. Study: VKGL Data-share Consensus. Not counted in ClinVar's aggregate classification.

Joint Genome Diagnostic Labs from Nijmegen and Maastricht, Radboudumc and MUMC+
Classification: Likely benign. Review status: no assertion criteria provided. Collection method: clinical testing. Allele origin: germline. Affected: yes. Study: VKGL Data-share Consensus. Not counted in ClinVar's aggregate classification.

Laboratory of Diagnostic Genome Analysis, Leiden University Medical Center (LUMC)
Classification: Likely benign. Review status: no assertion criteria provided. Collection method: clinical testing. Allele origin: germline. Affected: yes. Study: VKGL Data-share Consensus. Not counted in ClinVar's aggregate classification.

Literature cited by the submitters: PubMed 38612618 (cited by Athena Diagnostics); PubMed 26937396 (cited by Athena Diagnostics); PubMed 27066551 (cited by Athena Diagnostics).

NM_001267550.2(TTN):c.65092C>T (p.Arg21698Cys)

Genes: TTN (titin; minus strand), TTN-AS1 (TTN antisense RNA 1; plus strand). Cytogenetic location: 2q31.2.
Variant type: single nucleotide variant.
Coding change: c.65092C>T on transcript NM_001267550.2 (MANE Select); coding-DNA position 65092, C replaced by T.
Protein change: p.Arg21698Cys; replaces arginine 21698 with cysteine.
Molecular consequence: missense variant.
Genome position (GRCh38, 1-based): chr2:178,584,459, G>A on the plus strand (C>T on the coding strand, the complement: TTN is on the minus strand). VCF-style: chr2-178584459-G-A. GRCh37 (hg19) VCF-style: chr2-179449186-G-A.
Other names: p.R19130C:CGC>TGC; c.60169C>T, p.Arg20057Cys (NM_001256850.1); c.37897C>T, p.Arg12633Cys (NM_003319.4); c.57388C>T, p.Arg19130Cys (NM_133378.4); c.38272C>T, p.Arg12758Cys (NM_133432.3); c.38473C>T, p.Arg12825Cys (NM_133437.4); short protein forms R21698C, R19130C, R20057C, R12758C, R12633C, R12825C.
Identifiers: ClinVar variation 47216 (VCV000047216.70), dbSNP rs72646861, ClinGen allele CA283594.